The following is an entry in ClinVar:

NM_018979.4(WNK1):c.1669G>A (p.Ala557Thr)

Gene: WNK1 (WNK lysine deficient protein kinase 1; plus strand). Cytogenetic location: 12p13.33.
Variant type: single nucleotide variant.
Coding change: c.1669G>A on transcript NM_018979.4 (MANE Select); coding-DNA position 1669, G replaced by A.
Protein change: p.Ala557Thr; replaces alanine 557 with threonine.
Molecular consequence: missense variant.
Genome position (GRCh38, 1-based): chr12:861,061, G>A. VCF-style: chr12-861061-G-A. GRCh37 (hg19) VCF-style: chr12-970227-G-A.
Other names: c.1669G>A, p.Ala557Thr (NM_001184985.2, NM_014823.3, NM_213655.5); short protein forms A557T.
Identifiers: ClinVar variation 573215 (VCV000573215.8), dbSNP rs1565534337, ClinGen allele CA383334724.

ClinVar aggregate classification (germline): Uncertain significance (1 of 4 stars; one submission).

Conditions:
Neuropathy, hereditary sensory and autonomic, type 2A (HSAN2A). Also called: HSAN IIA; ACROOSTEOLYSIS, GIACCAI TYPE; ACROOSTEOLYSIS, NEUROGENIC; WNK1-Related HSAN2 (HSAN2A); MORVAN DISEASE; NEUROPATHY, CONGENITAL SENSORY. Identifiers: Orphanet 970, MedGen C2752089, MONDO:0024309, OMIM 201300.
Pseudohypoaldosteronism type 2C (PHA2C). Also called: Pseudohypoaldosteronism Type IIC. Identifiers: Orphanet 757, Orphanet 88940, MedGen C1840391, MONDO:0013778, OMIM 614492.

Submission:

Labcorp Genetics (formerly Invitae), Labcorp
Classification: Uncertain significance for Neuropathy, hereditary sensory and autonomic, type 2A; Pseudohypoaldosteronism type 2C. Last evaluated: 2018-04-04. Review status: criteria provided, single submitter. Criteria: Invitae Variant Classification Sherloc (09022015). Collection method: clinical testing. Allele origin: germline.
Comment: This variant is not present in population databases (ExAC no frequency). In summary, the available evidence is currently insufficient to determine the role of this variant in disease. Therefore, it has been classified as a Variant of Uncertain Significance. Algorithms developed to predict the effect of missense changes on protein structure and function (SIFT, PolyPhen-2, Align-GVGD) all suggest that this variant is likely to be disruptive, but these predictions have not been confirmed by published functional studies and their clinical significance is uncertain. This variant has not been reported in the literature in individuals with WNK1-related disease. This sequence change replaces alanine with threonine at codon 557 of the WNK1 protein (p.Ala557Thr). The alanine residue is highly conserved and there is a small physicochemical difference between alanine and threonine.